The following is an entry in ClinVar:

ClinVar aggregate classification (germline): Uncertain significance. Review status: criteria provided, multiple submitters, no conflicts (2 of 4 stars). 4 submissions from 4 submitters: Uncertain significance (4). Last evaluated 2026-10-01.

Conditions:
Inborn genetic diseases. Identifiers: MedGen C0950123, MeSH D030342.
Chondrosarcoma. Also called: Chondrosarcoma, somatic. Identifiers: Orphanet 55880, MedGen C0008479, MONDO:0008977, OMIM 215300, HP:0006765.
Multiple congenital exostosis (EXT). Also called: MULTIPLE CARTILAGINOUS EXOSTOSES; Hereditary multiple osteochondromas; Hereditary multiple exostoses; Hereditary multiple exostosis; Multiple exostoses; Multiple osteochondromas. Identifiers: Orphanet 321, MedGen C0015306, MONDO:0005508, HP:0002762.
Exostoses, multiple, type 1 (EXT1). Also called: EXOSTOSES, MULTIPLE, TYPE I; Hereditary Multiple Osteochondromatosis, Type I. Identifiers: MedGen CN263289, MONDO:0007585, OMIM 133700.

Allele frequency attached by ClinVar (database versions not stated): gnomAD 0.00001; TOPMed 0.00001; gnomAD exomes 0.00002; ExAC 0.00003.
gnomAD v4.1: 5 of 1,613,834 alleles (0.00031%); highest among the groups gnomAD compares: East Asian, 0.0089%; no homozygotes.

Submissions (4):

St. Jude Molecular Pathology, St. Jude Children's Research Hospital
Classification: Uncertain significance for Exostoses, multiple, type 1. Last evaluated: 2026-10-01. Review status: criteria provided, single submitter. Criteria: St. Jude Assertion Criteria 2020. Collection method: clinical testing. Allele origin: germline.
Comment: The EXT1 c.1663A>G p.(Asn555Asp) missense change has a maximum subpopulation frequency of 0.03% in gnomAD v2.1.1. The in silico tool REVEL predicts a benign effect on protein function, but to our knowledge this prediction has not been confirmed by functional studies. To our knowledge, this variant has not been reported in individuals with hereditary multiple exostoses. In summary, the evidence currently available is insufficient to determine the clinical significance of t his variant. It has therefore been classified as of uncertain significance.Ã¢ € ¯

Ambry Genetics
Classification: Uncertain significance for Inborn genetic diseases. Last evaluated: 2025-12-16. Review status: criteria provided, single submitter. Criteria: Ambry Variant Classification Scheme 2023. Collection method: clinical testing. Allele origin: germline.

Labcorp Genetics (formerly Invitae), Labcorp
Classification: Uncertain significance for Multiple congenital exostosis. Last evaluated: 2025-01-13. Review status: criteria provided, single submitter. Criteria: Invitae Variant Classification Sherloc (09022015). Collection method: clinical testing. Allele origin: germline.
Comment: This sequence change replaces asparagine, which is neutral and polar, with aspartic acid, which is acidic and polar, at codon 555 of the EXT1 protein (p.Asn555Asp). This variant is present in population databases (rs777698557, gnomAD 0.03%). This variant has not been reported in the literature in individuals affected with EXT1-related conditions. ClinVar contains an entry for this variant (Variation ID: 1502859). Invitae Evidence Modeling of protein sequence and biophysical properties (such as structural, functional, and spatial information, amino acid conservation, physicochemical variation, residue mobility, and thermodynamic stability) indicates that this missense variant is not expected to disrupt EXT1 protein function with a negative predictive value of 80%. In summary, the available evidence is currently insufficient to determine the role of this variant in disease. Therefore, it has been classified as a Variant of Uncertain Significance.

Baylor Genetics
Classification: Uncertain significance for Chondrosarcoma. Last evaluated: 2023-08-05. Review status: criteria provided, single submitter. Criteria: ACMG Guidelines, 2015. Collection method: clinical testing. Allele origin: unknown.

NM_000127.3(EXT1):c.1663A>G (p.Asn555Asp)

Gene: EXT1 (exostosin glycosyltransferase 1; minus strand). Cytogenetic location: 8q24.11.
Variant type: single nucleotide variant.
Coding change: c.1663A>G on transcript NM_000127.3 (MANE Select); coding-DNA position 1663, A replaced by G.
Protein change: p.Asn555Asp; replaces asparagine 555 with aspartic acid.
Molecular consequence: missense variant.
Genome position (GRCh38, 1-based): chr8:117,812,931, T>C on the plus strand (A>G on the coding strand, the complement: EXT1 is on the minus strand). VCF-style: chr8-117812931-T-C. GRCh37 (hg19) VCF-style: chr8-118825170-T-C.
Other names: c.1663A>G (NM_000127.2); short protein forms N555D.
Identifiers: ClinVar variation 1502859 (VCV001502859.10), dbSNP rs777698557, ClinGen allele CA4854053.